The following is an entry in ClinVar:

NM_001017995.3(SH3PXD2B):c.1129G>A (p.Ala377Thr)

Gene: SH3PXD2B (SH3 and PX domains 2B; minus strand). Cytogenetic location: 5q35.1.
Variant type: single nucleotide variant.
Coding change: c.1129G>A on transcript NM_001017995.3 (MANE Select); coding-DNA position 1129, G replaced by A.
Protein change: p.Ala377Thr; replaces alanine 377 with threonine.
Molecular consequence: missense variant.
Genome position (GRCh38, 1-based): chr5:172,346,195, C>T on the plus strand (G>A on the coding strand, the complement: SH3PXD2B is on the minus strand). VCF-style: chr5-172346195-C-T. GRCh37 (hg19) VCF-style: chr5-171773199-C-T.
Other names: c.1129G>A, p.Ala377Thr (NM_001308175.2); c.1129G>A (NM_001017995.2); short protein forms A377T.
Identifiers: ClinVar variation 1350404 (VCV001350404.9), dbSNP rs779664507, ClinGen allele CA3561286.

ClinVar aggregate classification (germline): Uncertain significance. Review status: criteria provided, single submitter (1 of 4 stars). 2 submissions from 2 submitters: Uncertain significance (1). 1 of the submissions does not count toward it. Last evaluated 2022-02-08.

Conditions:
SH3PXD2B-related disorder. Also called: SH3PXD2B-related condition.

Allele frequency attached by ClinVar (database versions not stated): TOPMed 0.00001; ExAC 0.00002; gnomAD exomes 0.00002.
gnomAD v4.1: 12 of 1,614,108 alleles (0.00074%); highest among the groups gnomAD compares: Admixed American, 0.0033%; no homozygotes.

Submissions (2):

Labcorp Genetics (formerly Invitae), Labcorp
Classification: Uncertain significance. Last evaluated: 2022-02-08. Review status: criteria provided, single submitter. Criteria: Invitae Variant Classification Sherloc (09022015). Collection method: clinical testing. Allele origin: germline.
Comment: This sequence change replaces alanine, which is neutral and non-polar, with threonine, which is neutral and polar, at codon 377 of the SH3PXD2B protein (p.Ala377Thr). In summary, the available evidence is currently insufficient to determine the role of this variant in disease. Therefore, it has been classified as a Variant of Uncertain Significance. Algorithms developed to predict the effect of missense changes on protein structure and function (SIFT, PolyPhen-2, Align-GVGD) all suggest that this variant is likely to be disruptive. This variant has not been reported in the literature in individuals affected with SH3PXD2B-related conditions. This variant is present in population databases (rs779664507, gnomAD 0.006%).

PreventionGenetics, part of Exact Sciences
Classification: Uncertain significance for SH3PXD2B-related condition. Last evaluated: 2023-10-25. Review status: no assertion criteria provided. Collection method: clinical testing. Allele origin: germline. Not counted in ClinVar's aggregate classification.
Comment: The SH3PXD2B c.1129G>A variant is predicted to result in the amino acid substitution p.Ala377Thr. To our knowledge, this variant has not been reported in the literature. This variant is reported in 0.0058% of alleles in individuals of Latino descent in gnomAD. At this time, the clinical significance of this variant is uncertain due to the absence of conclusive functional and genetic evidence.